The following is an entry in ClinVar:

ClinVar aggregate classification (germline): Pathogenic/Likely pathogenic. Review status: criteria provided, multiple submitters, no conflicts (2 of 4 stars). 5 submissions from 5 submitters: Pathogenic (4); Likely pathogenic (1). Last evaluated 2026-05-15.

Conditions:
IDS-related disorder. Also called: IDS-related condition.
Mucopolysaccharidosis, MPS-II (MPS2). Also called: Attenuated MPS (subtype; formerly known as mild MPS II); Severe MPS II; I2S deficiency; MPS 2; Hunter Syndrome; IDURONATE 2-SULFATASE DEFICIENCY. Identifiers: Orphanet 580, Orphanet 79388, MedGen C0026705, MONDO:0010674, OMIM 309900.

Submissions (6):

PreventionGenetics, part of Exact Sciences
Classification: Pathogenic for IDS-related condition. Last evaluated: 2026-05-15. Review status: criteria provided, single submitter. Criteria: ACMG Guidelines, 2015. Collection method: clinical testing. Allele origin: germline.
Comment: The IDS c.104-2A>G variant is predicted to disrupt the AG splice acceptor site and interfere with normal splicing. This variant was reported in individuals with mucopolysaccharidosis II (as 228-2A>G, Table 2, Karsten et al. 1998. PubMed ID: 9921913; Table 2, Semyachkina et al. 2021. PubMed ID: 33676511; Table 5, Alves et al. 2006. PubMed ID: 17063374; as IVS1-2 A>G, Table 2, Vafiadaki et al. 1998. PubMed ID: 9875019). This variant has not been reported in a large population database, indicating this variant is rare. An alternative variant at the same nucleotide c.104-2A>C was also reported in an individual with mucopolysaccharidosis II (Table 1, Agrawal et al. 2022. PubMed ID: 35144014). Variants that disrupt the consensus splice acceptor site in IDS are expected to be pathogenic. This variant is interpreted as pathogenic.

Laboratory of Diagnosis and Therapy of Lysosomal Disorders, University of Padova
Classification: Pathogenic for Mucopolysaccharidosis, MPS-II. Last evaluated: 2024-06-07. Review status: criteria provided, single submitter. Criteria: ACMG Guidelines, 2015. Collection method: literature only. Allele origin: germline. Affected: yes. Observed: 6 variant alleles.
Comment: Null variant (PVS1_VeryStrong), Prevalence of the variant significantly increased in affected individuals compared with controls (PS4_Supporting), Absent from controls (or at low frequency) in gnomAD database (PM2_Moderate), Patient’s phenotype or family history highly specific for the disease (PP4_Moderate)

Classification method: ACMG Guidelines [PMID:25741868] with modifications

Labcorp Genetics (formerly Invitae), Labcorp
Classification: Pathogenic for Mucopolysaccharidosis, MPS-II. Last evaluated: 2024-01-04. Review status: criteria provided, single submitter. Criteria: Invitae Variant Classification Sherloc (09022015). Collection method: clinical testing. Allele origin: germline.
Comment: This sequence change affects an acceptor splice site in intron 1 of the IDS gene. It is expected to disrupt RNA splicing. Variants that disrupt the donor or acceptor splice site typically lead to a loss of protein function (PMID: 16199547), and loss-of-function variants in IDS are known to be pathogenic (PMID: 8940265, 9875019). This variant is not present in population databases (gnomAD no frequency). Disruption of this splice site has been observed in individual(s) with mucopolysaccharidosis II (PMID: 33676511). This variant is also known as 228–2A>G. ClinVar contains an entry for this variant (Variation ID: 1324563). Algorithms developed to predict the effect of sequence changes on RNA splicing suggest that this variant may disrupt the consensus splice site. For these reasons, this variant has been classified as Pathogenic.

Revvity Omics, Revvity
Classification: Likely pathogenic for Mucopolysaccharidosis, MPS-II. Last evaluated: 2022-01-11. Review status: criteria provided, single submitter. Criteria: ACMG Guidelines, 2015. Collection method: clinical testing. Allele origin: germline.

Laboratorio de Genetica e Diagnostico Molecular, Hospital Israelita Albert Einstein
Classification: Pathogenic for Mucopolysaccharidosis, MPS-II. Last evaluated: 2021-05-20. Review status: criteria provided, single submitter. Criteria: ACMG Guidelines, 2015. Collection method: clinical testing. Allele origin: germline. Affected: yes.
Comment: ACMG classification criteria: PVS1 very strong, PS4 supporting, PM2

Dr. Peter K. Rogan Lab, Western University
No classification provided (evidence only). Condition: Nonpapillary renal cell carcinoma. Review status: no classification provided. Collection method: in vitro. Allele origin: not applicable. Functional consequence: retained intron. Not counted in ClinVar's aggregate classification.

Literature cited by the submitters: PubMed 35144014 (cited by Laboratory of Diagnosis and Therapy of Lysosomal Disorders, University of Padova); PubMed 17063374 (cited by Laboratory of Diagnosis and Therapy of Lysosomal Disorders, University of Padova); PubMed 9921913 (cited by Laboratory of Diagnosis and Therapy of Lysosomal Disorders, University of Padova); PubMed 11683780 (cited by Laboratory of Diagnosis and Therapy of Lysosomal Disorders, University of Padova); PubMed 33676511 (cited by Laboratory of Diagnosis and Therapy of Lysosomal Disorders, University of Padova and Labcorp Genetics (formerly Invitae), Labcorp); PubMed 9875019 (cited by Laboratory of Diagnosis and Therapy of Lysosomal Disorders, University of Padova and Labcorp Genetics (formerly Invitae), Labcorp); PubMed 16199547 (cited by Labcorp Genetics (formerly Invitae), Labcorp); PubMed 8940265 (cited by Labcorp Genetics (formerly Invitae), Labcorp).

NM_000202.8(IDS):c.104-2A>G

Gene: IDS (iduronate 2-sulfatase; minus strand). Cytogenetic location: Xq28.
Variant type: single nucleotide variant.
Coding change: c.104-2A>G on transcript NM_000202.8 (MANE Select); the canonical splice acceptor site of the intron before coding-DNA position 104, A replaced by G.
Molecular consequence: splice acceptor variant.
Genome position (GRCh38, 1-based): chrX:149,504,295, T>C on the plus strand (A>G on the coding strand, the complement: IDS is on the minus strand). VCF-style: chrX-149504295-T-C. GRCh37 (hg19) VCF-style: chrX-148585825-T-C.
Other names: c.-123-2A>G (NM_001166550.4); c.104-2A>G (NM_006123.5, NM_000202.7).
Identifiers: ClinVar variation 1324563 (VCV001324563.13), dbSNP rs2089505773, ClinGen allele CA414527993.